The following is an entry in ClinVar:

ClinVar aggregate classification (germline): Likely benign. Review status: criteria provided, multiple submitters, no conflicts (2 of 4 stars). 2 submissions from 2 submitters: Likely benign (2). Last evaluated 2025-02-07.

Conditions:
VPS13B-related disorder. Also called: VPS13B-related condition.
Cohen syndrome (COH1). Also called: PEPPER SYNDROME; Cutis verticis gyrata, retinitis pigmentosa, and sensorineural deafness. Identifiers: Orphanet 193, MedGen C0265223, MONDO:0008999, OMIM 216550.

Allele frequency attached by ClinVar (database versions not stated): gnomAD exomes below 0.00001; gnomAD 0.00001; TOPMed 0.00001.
gnomAD v4.1: 7 of 1,613,642 alleles (0.00043%); highest among the groups gnomAD compares: East Asian, 0.0022%; no homozygotes.

Submissions (2):

PreventionGenetics, part of Exact Sciences
Classification: Likely benign for VPS13B-related condition. Last evaluated: 2025-02-07. Review status: criteria provided, single submitter. Criteria: ACMG Guidelines, 2015. Collection method: clinical testing. Allele origin: germline.
Comment: This variant is classified as likely benign based on ACMG/AMP sequence variant interpretation guidelines (Richards et al. 2015 PMID: 25741868, with internal and published modifications).

Labcorp Genetics (formerly Invitae), Labcorp
Classification: Likely benign for Cohen syndrome. Last evaluated: 2024-07-02. Review status: criteria provided, single submitter. Criteria: Invitae Variant Classification Sherloc (09022015). Collection method: clinical testing. Allele origin: germline.

NM_152564.5(VPS13B):c.9743-10A>T

Gene: VPS13B (vacuolar protein sorting 13 homolog B; plus strand). Cytogenetic location: 8q22.2.
Variant type: single nucleotide variant.
Coding change: c.9743-10A>T on transcript NM_152564.5 (MANE Select); 10 bases into the intron before coding-DNA position 9743, A replaced by T.
Molecular consequence: intron variant.
Genome position (GRCh38, 1-based): chr8:99,835,529, A>T. VCF-style: chr8-99835529-A-T. GRCh37 (hg19) VCF-style: chr8-100847757-A-T.
Other names: c.9818-10A>T (NM_017890.5); c.9743-10A>T (NM_152564.4).
Identifiers: ClinVar variation 2170917 (VCV002170917.5), dbSNP rs1333411758, ClinGen allele CA583884775.